The following is an entry in ClinVar:

ClinVar aggregate classification (germline): Likely benign (1 of 4 stars; one submission).

Submission:

CeGaT Center for Human Genetics Tuebingen
Classification: Likely benign. Last evaluated: 2026-05-01. Review status: criteria provided, single submitter. Criteria: CeGaT Center For Human Genetics Tuebingen Variant Classification Criteria Version 2. Collection method: clinical testing. Allele origin: germline. Affected: yes. Observed: 1 variant allele.
Comment: RHOBTB2: PM2:Supporting, BP4, BP7

NM_015178.3(RHOBTB2):c.465T>C (p.Ala155=)

Gene: RHOBTB2 (Rho related BTB domain containing 2; plus strand). Cytogenetic location: 8p21.3.
Variant type: single nucleotide variant.
Coding change: c.465T>C on transcript NM_015178.3 (MANE Select); coding-DNA position 465, T replaced by C.
Protein change: p.Ala155=; no amino-acid change (alanine 155 retained).
Molecular consequence: synonymous variant.
Genome position (GRCh38, 1-based): chr8:23,006,128, T>C. VCF-style: chr8-23006128-T-C. GRCh37 (hg19) VCF-style: chr8-22863641-T-C.
Other names: c.531T>C, p.Ala177= (NM_001160036.2); c.486T>C, p.Ala162= (NM_001160037.2); c.465T>C, p.Ala155= (NM_001374791.1).
Identifiers: ClinVar variation 4872804 (VCV004872804.2).